The following is an entry in ClinVar:

NM_001034853.2(RPGR):c.2293_2305del (p.Glu765fs)

Gene: RPGR (retinitis pigmentosa GTPase regulator; minus strand). Cytogenetic location: Xp11.4.
Variant type: Deletion.
Coding change: c.2293_2305del on transcript NM_001034853.2 (MANE Select); coding-DNA positions 2293 to 2305, 13 bases deleted (GAGGGAGAACGTG).
Protein change: p.Glu765fs; shifts the reading frame from glutamic acid 765.
Molecular consequence: frameshift variant. On other transcripts: intron variant (8).
Genome position (GRCh38, 1-based): chrX:38,286,694-38,286,706, CACGTTCTCCCTC deleted on the plus strand (GAGGGAGAACGTG on the coding strand, the reverse complement: RPGR is on the minus strand); deleting any 13 consecutive bases within chrX:38,286,694-38,286,709 gives the same sequence; the c. name uses the placement nearest the transcript's 3' end. VCF-style (leftmost placement, unchanged base first): chrX-38286693-TCACGTTCTCCCTC-T. GRCh37 (hg19) VCF-style: chrX-38145946-TCACGTTCTCCCTC-T.
Other names: c.1569+4253_1569+4265del (NM_001367249.1, NM_001367250.1); c.1902+388_1902+400del (NM_001367245.1); c.1386+4253_1386+4265del (NM_001367251.1); c.1719+388_1719+400del (NM_001367246.1); c.1572+4253_1572+4265del (NM_001367247.1); c.1905+388_1905+400del (NM_000328.3); c.1602+4253_1602+4265del (NM_001367248.1); short protein forms E765fs.
Identifiers: ClinVar variation 2016749 (VCV002016749.4), dbSNP rs2519792150, ClinGen allele CA2580100925.
Genomic context (GRCh38, chrX:38,286,693, plus strand): 5'-TCCTCTCCTTTCTCCTCCTTCCCCGCTCTTTCCTCCTTTTTCCTCTCTCCTTCCTCCTTT[TCACGTTCTCCCTC>T]CACTTCTTCCCCTTCTCCTTCCTCTTTCCCTTCTCCCTCCTTCTCTTCTTCCTCTTCTCT-3'

ClinVar aggregate classification (germline): Pathogenic (1 of 4 stars; one submission).

Conditions:
Primary ciliary dyskinesia. Also called: Ciliary dyskinesia. Identifiers: Orphanet 244, MedGen C0008780, MONDO:0016575, HP:0012265.

Submission:

Labcorp Genetics (formerly Invitae), Labcorp
Classification: Pathogenic for Primary ciliary dyskinesia. Last evaluated: 2024-03-04. Review status: criteria provided, single submitter. Criteria: Invitae Variant Classification Sherloc (09022015). Collection method: clinical testing. Allele origin: germline.
Comment: This sequence change creates a premature translational stop signal (p.Glu765Lysfs*46) in the RPGR (ORF15) gene. While this is not anticipated to result in nonsense mediated decay, it is expected to disrupt the last 388 amino acid(s) of the RPGR (ORF15) protein. This variant is not present in population databases (gnomAD no frequency). This variant has not been reported in the literature in individuals affected with RPGR (ORF15)-related conditions. ClinVar contains an entry for this variant (Variation ID: 2016749). This variant disrupts a region of the RPGR (ORF15) protein in which other variant(s) (p.Leu1130Lysfs*13) have been determined to be pathogenic (PMID: 22264887; Invitae). This suggests that this is a clinically significant region of the protein, and that variants that disrupt it are likely to be disease-causing. For these reasons, this variant has been classified as Pathogenic.

Literature cited by the submitters: PubMed 22264887.